The following is an entry in ClinVar:

NM_152564.5(VPS13B):c.2988T>A (p.Asp996Glu)

Gene: VPS13B (vacuolar protein sorting 13 homolog B; plus strand). Cytogenetic location: 8q22.2.
Variant type: single nucleotide variant.
Coding change: c.2988T>A on transcript NM_152564.5 (MANE Select); coding-DNA position 2988, T replaced by A.
Protein change: p.Asp996Glu; replaces aspartic acid 996 with glutamic acid.
Molecular consequence: missense variant.
Genome position (GRCh38, 1-based): chr8:99,391,610, T>A. VCF-style: chr8-99391610-T-A. GRCh37 (hg19) VCF-style: chr8-100403838-T-A.
Other names: c.2988T>A (NM_017890.3); c.2988T>A, p.Asp996Glu (NM_017890.5); short protein forms D996E.
Identifiers: ClinVar variation 861088 (VCV000861088.10), dbSNP rs758840412, ClinGen allele CA4823128.

ClinVar aggregate classification (germline): Uncertain significance. Review status: criteria provided, multiple submitters, no conflicts (2 of 4 stars). 3 submissions from 3 submitters: Uncertain significance (2). 1 of the submissions does not count toward it. Last evaluated 2025-11-12.

Conditions:
Inborn genetic diseases. Identifiers: MedGen C0950123, MeSH D030342.
Cohen syndrome (COH1). Also called: PEPPER SYNDROME; Cutis verticis gyrata, retinitis pigmentosa, and sensorineural deafness. Identifiers: Orphanet 193, MedGen C0265223, MONDO:0008999, OMIM 216550.

Allele frequency attached by ClinVar (database versions not stated): gnomAD exomes below 0.00001; ExAC 0.00001; TOPMed 0.00002.
gnomAD v4.1: 6 of 1,614,168 alleles (0.00037%); highest among the groups gnomAD compares: African/African-American, 0.004%; no homozygotes.

Submissions (3):

Ambry Genetics
Classification: Uncertain significance for Inborn genetic diseases. Last evaluated: 2025-11-12. Review status: criteria provided, single submitter. Criteria: Ambry Variant Classification Scheme 2023. Collection method: clinical testing. Allele origin: germline.

Labcorp Genetics (formerly Invitae), Labcorp
Classification: Uncertain significance for Cohen syndrome. Last evaluated: 2022-03-10. Review status: criteria provided, single submitter. Criteria: Invitae Variant Classification Sherloc (09022015). Collection method: clinical testing. Allele origin: germline.
Comment: This sequence change replaces aspartic acid, which is acidic and polar, with glutamic acid, which is acidic and polar, at codon 996 of the VPS13B protein (p.Asp996Glu). This variant is present in population databases (rs758840412, gnomAD 0.007%). This variant has not been reported in the literature in individuals affected with VPS13B-related conditions. ClinVar contains an entry for this variant (Variation ID: 861088). Algorithms developed to predict the effect of missense changes on protein structure and function output the following: SIFT: "Not Available"; PolyPhen-2: "Benign"; Align-GVGD: "Not Available". The glutamic acid amino acid residue is found in multiple mammalian species, which suggests that this missense change does not adversely affect protein function. In summary, the available evidence is currently insufficient to determine the role of this variant in disease. Therefore, it has been classified as a Variant of Uncertain Significance.

Natera, Inc.
Classification: Uncertain significance for Cohen syndrome. Last evaluated: 2020-08-30. Review status: no assertion criteria provided. Collection method: clinical testing. Allele origin: germline. Not counted in ClinVar's aggregate classification.